The following is an entry in ClinVar:

ClinVar aggregate classification (germline): Uncertain significance (1 of 4 stars; one submission).

Conditions:
FGA-related disorder. Also called: FGA-related disorders; FGA-related condition.

Submission:

PreventionGenetics, part of Exact Sciences
Classification: Uncertain significance for FGA-related condition. Last evaluated: 2025-03-12. Review status: criteria provided, single submitter. Criteria: ACMG Guidelines, 2015. Collection method: clinical testing. Allele origin: germline.
Comment: The FGA c.1573A>G variant is predicted to result in the amino acid substitution p.Thr525Ala. To our knowledge, this variant has not been reported in the literature or in a large population database (gnomAD), indicating this variant is rare. At this time, the clinical significance of this variant is uncertain due to the absence of conclusive functional and genetic evidence.

NM_021871.4(FGA):c.1573A>G (p.Thr525Ala)

Gene: FGA (fibrinogen alpha chain; minus strand). Cytogenetic location: 4q31.3.
Variant type: single nucleotide variant.
Coding change: c.1573A>G on transcript NM_021871.4 (MANE Select); coding-DNA position 1573, A replaced by G.
Protein change: p.Thr525Ala; replaces threonine 525 with alanine.
Molecular consequence: missense variant.
Genome position (GRCh38, 1-based): chr4:154,585,856, T>C on the plus strand (A>G on the coding strand, the complement: FGA is on the minus strand). VCF-style: chr4-154585856-T-C. GRCh37 (hg19) VCF-style: chr4-155507008-T-C.
Other names: c.1573A>G, p.Thr525Ala (NM_000508.5); short protein forms T525A.
Identifiers: ClinVar variation 5002052 (VCV005002052.1).